The following is an entry in ClinVar:

ClinVar aggregate classification (germline): Uncertain significance. Review status: criteria provided, multiple submitters, no conflicts (2 of 4 stars). 5 submissions from 5 submitters: Uncertain significance (5). Last evaluated 2026-01-12.

Conditions:
SPG11-related disorder. Also called: SPG11-related condition.
Inborn genetic diseases. Identifiers: MedGen C0950123, MeSH D030342.
Hereditary spastic paraplegia 11. Also called: SPASTIC PARAPLEGIA, AUTOSOMAL RECESSIVE, COMPLICATED, WITH THIN CORPUS CALLOSUM; SPASTIC PARAPLEGIA, AUTOSOMAL RECESSIVE, WITH MENTAL IMPAIRMENT AND THIN CORPUS CALLOSUM; Spastic Paraplegia 11; Nakamura Osame syndrome; Autosomal recessive hereditary spastic paraplegia, mental impairment, and thin corpus callosum; Spastic paraplegia, mental retardation and thin corpus callosum. Identifiers: Orphanet 2822, MedGen C1858479, MONDO:0011445, OMIM 604360.

Allele frequency attached by ClinVar (database versions not stated): ExAC 0.00001; gnomAD exomes 0.00003 and 0.00008; TOPMed 0.00005; gnomAD 0.00011 and 0.00012.
gnomAD v4.1: 129 of 1,614,070 alleles (0.008%); highest among the groups gnomAD compares: Non-Finnish European, 0.011%; 1 homozygote.

Submissions (5):

PreventionGenetics, part of Exact Sciences
Classification: Uncertain significance for SPG11-related condition. Last evaluated: 2026-01-12. Review status: criteria provided, single submitter. Criteria: ACMG Guidelines, 2015. Collection method: clinical testing. Allele origin: germline.
Comment: The SPG11 c.1126A>G variant is predicted to result in the amino acid substitution p.Asn376Asp. To our knowledge, this variant has not been reported in the literature. This variant is reported in 0.016% of alleles in individuals of European (Non-Finnish) descent in gnomAD. At this time, the clinical significance of this variant is uncertain due to the absence of conclusive functional and genetic evidence.

Women's Health and Genetics/Laboratory Corporation of America, LabCorp
Classification: Uncertain significance. Last evaluated: 2025-05-14. Review status: criteria provided, single submitter. Criteria: LabCorp Variant Classification Summary - May 2015. Collection method: clinical testing. Allele origin: germline.
Comment: Variant summary: SPG11 c.1126A>G (p.Asn376Asp) results in a conservative amino acid change in the encoded protein sequence. Algorithms developed to predict the effect of missense changes on protein structure and function all suggest that this variant is likely to be tolerated. The variant allele was found at a frequency of 3.2e-05 in 251086 control chromosomes (gnomAD). The available data on variant occurrences in the general population are insufficient to allow any conclusion about variant significance. c.1126A>G has been observed in at least an individual affected with hypertrichosis, hypotonia, autism and epilepsy (Shchubelka_2024). This report however, does not provide unequivocal conclusions about association of the variant with Hereditary spastic paraplegia 11. To our knowledge, no experimental evidence demonstrating an impact on protein function has been reported. ClinVar contains an entry for this variant (Variation ID: 387116). Based on the evidence outlined above, the variant was classified as uncertain significance.

GeneDx
Classification: Uncertain significance. Last evaluated: 2024-10-14. Review status: criteria provided, single submitter. Criteria: GeneDx Variant Classification Process June 2021. Collection method: clinical testing. Allele origin: germline. Affected: yes.
Comment: In silico analysis indicates that this missense variant does not alter protein structure/function; Has not been previously published as pathogenic or benign to our knowledge

Labcorp Genetics (formerly Invitae), Labcorp
Classification: Uncertain significance for Hereditary spastic paraplegia 11. Last evaluated: 2022-08-23. Review status: criteria provided, single submitter. Criteria: Invitae Variant Classification Sherloc (09022015). Collection method: clinical testing. Allele origin: germline.
Comment: This sequence change replaces asparagine, which is neutral and polar, with aspartic acid, which is acidic and polar, at codon 376 of the SPG11 protein (p.Asn376Asp). This variant is present in population databases (rs199765540, gnomAD 0.01%). This variant has not been reported in the literature in individuals affected with SPG11-related conditions. ClinVar contains an entry for this variant (Variation ID: 387116). Algorithms developed to predict the effect of missense changes on protein structure and function output the following: SIFT: "Tolerated"; PolyPhen-2: "Benign"; Align-GVGD: "Class C0". The aspartic acid amino acid residue is found in multiple mammalian species, which suggests that this missense change does not adversely affect protein function. Algorithms developed to predict the effect of sequence changes on RNA splicing suggest that this variant may disrupt the consensus splice site. In summary, the available evidence is currently insufficient to determine the role of this variant in disease. Therefore, it has been classified as a Variant of Uncertain Significance.

Ambry Genetics
Classification: Uncertain significance for Inborn genetic diseases. Last evaluated: 2021-03-03. Review status: criteria provided, single submitter. Criteria: Ambry Variant Classification Scheme 2023. Collection method: clinical testing. Allele origin: germline.
Comment: The p.N376D variant (also known as c.1126A>G), located in coding exon 6 of the SPG11 gene, results from an A to G substitution at nucleotide position 1126. The asparagine at codon 376 is replaced by aspartic acid, an amino acid with highly similar properties. This amino acid position is not well conserved in available vertebrate species, and aspartic acid is the reference amino acid in other vertebrate species. In addition, this alteration is predicted to be tolerated by in silico analysis. Since supporting evidence is limited at this time, the clinical significance of this alteration remains unclear.

Literature cited by the submitters: PubMed 38539105 (cited by Women's Health and Genetics/Laboratory Corporation of America, LabCorp).

NM_025137.4(SPG11):c.1126A>G (p.Asn376Asp)

Gene: SPG11 (SPG11 vesicle trafficking associated, spatacsin; minus strand). Cytogenetic location: 15q21.1.
Variant type: single nucleotide variant.
Coding change: c.1126A>G on transcript NM_025137.4 (MANE Select); coding-DNA position 1126, A replaced by G.
Protein change: p.Asn376Asp; replaces asparagine 376 with aspartic acid.
Molecular consequence: missense variant.
Genome position (GRCh38, 1-based): chr15:44,651,821, T>C on the plus strand (A>G on the coding strand, the complement: SPG11 is on the minus strand). VCF-style: chr15-44651821-T-C. GRCh37 (hg19) VCF-style: chr15-44944019-T-C.
Other names: c.1126A>G, p.Asn376Asp (NM_001160227.2); short protein forms N376D.
Identifiers: ClinVar variation 387116 (VCV000387116.12), dbSNP rs199765540, ClinGen allele CA7535615.